The following is an entry in ClinVar:

ClinVar aggregate classification (germline): Uncertain significance. Review status: criteria provided, multiple submitters, no conflicts (2 of 4 stars). 2 submissions from 2 submitters: Uncertain significance (2). Last evaluated 2024-11-13.

Conditions:
Early-infantile DEE. Also called: Early infantile epileptic encephalopathy with suppression bursts; Early infantile epileptic encephalopathy; Ohtahara syndrome. Identifiers: Orphanet 1934, MedGen C0393706, MONDO:0800491.

gnomAD v4.1: 11 of 1,612,716 alleles (0.00068%); highest among the groups gnomAD compares: Non-Finnish European, 0.00093%; no homozygotes.

Submissions (2):

Labcorp Genetics (formerly Invitae), Labcorp
Classification: Uncertain significance for Early-infantile DEE. Last evaluated: 2024-11-13. Review status: criteria provided, single submitter. Criteria: Invitae Variant Classification Sherloc (09022015). Collection method: clinical testing. Allele origin: germline.
Comment: This sequence change replaces tyrosine, which is neutral and polar, with cysteine, which is neutral and slightly polar, at codon 601 of the SPTAN1 protein (p.Tyr601Cys). This variant is not present in population databases (gnomAD no frequency). This variant has not been reported in the literature in individuals affected with SPTAN1-related conditions. Invitae Evidence Modeling of protein sequence and biophysical properties (such as structural, functional, and spatial information, amino acid conservation, physicochemical variation, residue mobility, and thermodynamic stability) has been performed for this missense variant. However, the output from this modeling did not meet the statistical confidence thresholds required to predict the impact of this variant on SPTAN1 protein function. In summary, the available evidence is currently insufficient to determine the role of this variant in disease. Therefore, it has been classified as a Variant of Uncertain Significance.

Blueprint Genetics
Classification: Uncertain significance. Last evaluated: 2023-05-17. Review status: criteria provided, single submitter. Criteria: ACMG Guidelines, 2015. Collection method: clinical testing. Allele origin: germline.

NM_001130438.3(SPTAN1):c.1802A>G (p.Tyr601Cys)

Gene: SPTAN1 (spectrin alpha, non-erythrocytic 1; plus strand). Cytogenetic location: 9q34.11.
Variant type: single nucleotide variant.
Coding change: c.1802A>G on transcript NM_001130438.3 (MANE Select); coding-DNA position 1802, A replaced by G.
Protein change: p.Tyr601Cys; replaces tyrosine 601 with cysteine.
Molecular consequence: missense variant.
Genome position (GRCh38, 1-based): chr9:128,582,845, A>G. VCF-style: chr9-128582845-A-G. GRCh37 (hg19) VCF-style: chr9-131345124-A-G.
Other names: c.1802A>G, p.Tyr601Cys (NM_001195532.2, NM_001363759.2, NM_001363765.2 and 5 more transcripts); c.1838A>G, p.Tyr613Cys (NM_001375312.2, NM_001375318.1); short protein forms Y601C, Y613C.
Identifiers: ClinVar variation 3667566 (VCV003667566.3).